The following is an entry in ClinVar:

NM_001278669.2(NFATC1):c.1226+8G>A

Gene: NFATC1 (nuclear factor of activated T cells 1; plus strand). Cytogenetic location: 18q23.
Variant type: single nucleotide variant.
Coding change: c.1226+8G>A on transcript NM_001278669.2 (MANE Select); 8 bases into the intron after coding-DNA position 1226, G replaced by A.
Molecular consequence: intron variant.
Genome position (GRCh38, 1-based): chr18:79,411,509, G>A. VCF-style: chr18-79411509-G-A. GRCh37 (hg19) VCF-style: chr18-77171509-G-A.
Other names: c.1226+8G>A (NM_001278669.1, NM_006162.5, NM_001278670.2 and 1 more transcripts); c.-191+15158G>A (NM_172388.3); c.1187+8G>A (NM_172387.3, NM_172389.3, NM_001278672.2 and 1 more transcripts); c.-191+11030G>A (NM_001278673.2).
Identifiers: ClinVar variation 2064128 (VCV002064128.6), dbSNP rs1363931134, ClinGen allele CA9009082.

ClinVar aggregate classification (germline): Likely benign. Review status: criteria provided, single submitter (1 of 4 stars). 2 submissions from 2 submitters: Likely benign (1). 1 of the submissions does not count toward it. Last evaluated 2022-08-30.

Conditions:
NFATC1-related disorder. Also called: NFATC1-related condition.

Allele frequency attached by ClinVar (database versions not stated): ExAC 0.00016; gnomAD 0.00005; TOPMed 0.00007; gnomAD exomes 0.00012.
gnomAD v4.1: 168 of 1,463,766 alleles (0.011%); highest among the groups gnomAD compares: Non-Finnish European, 0.014%; 1 homozygote.

Submissions (2):

Labcorp Genetics (formerly Invitae), Labcorp
Classification: Likely benign. Last evaluated: 2022-08-30. Review status: criteria provided, single submitter. Criteria: Invitae Variant Classification Sherloc (09022015). Collection method: clinical testing. Allele origin: germline.

PreventionGenetics, part of Exact Sciences
Classification: Likely benign for NFATC1-related condition. Last evaluated: 2019-02-21. Review status: no assertion criteria provided. Collection method: clinical testing. Allele origin: germline. Not counted in ClinVar's aggregate classification.
Comment: This variant is classified as likely benign based on ACMG/AMP sequence variant interpretation guidelines (Richards et al. 2015 PMID: 25741868, with internal and published modifications).